The following is an entry in ClinVar:

ClinVar aggregate classification (germline): Uncertain significance (1 of 4 stars; one submission).

Conditions:
Severe combined immunodeficiency due to IKK2 deficiency. Also called: Immunodeficiency 15; IMMUNODEFICIENCY 15B. Identifiers: Orphanet 397787, MedGen C4747743, MONDO:0014267, OMIM 615592.

Allele frequency attached by ClinVar (database versions not stated): TOPMed below 0.00001; ExAC 0.00001; gnomAD exomes 0.00001.
gnomAD v4.1: 3 of 1,614,036 alleles (0.00019%); highest among the groups gnomAD compares: Admixed American, 0.005%; no homozygotes.

Submission:

Labcorp Genetics (formerly Invitae), Labcorp
Classification: Uncertain significance for Severe combined immunodeficiency due to IKK2 deficiency. Last evaluated: 2023-10-09. Review status: criteria provided, single submitter. Criteria: Invitae Variant Classification Sherloc (09022015). Collection method: clinical testing. Allele origin: germline.
Comment: This sequence change replaces valine, which is neutral and non-polar, with isoleucine, which is neutral and non-polar, at codon 644 of the IKBKB protein (p.Val644Ile). This variant is present in population databases (rs764317881, gnomAD 0.006%). This variant has not been reported in the literature in individuals affected with IKBKB-related conditions. Advanced modeling of protein sequence and biophysical properties (such as structural, functional, and spatial information, amino acid conservation, physicochemical variation, residue mobility, and thermodynamic stability) performed at Invitae indicates that this missense variant is not expected to disrupt IKBKB protein function. In summary, the available evidence is currently insufficient to determine the role of this variant in disease. Therefore, it has been classified as a Variant of Uncertain Significance.

NM_001556.3(IKBKB):c.1930G>A (p.Val644Ile)

Gene: IKBKB (inhibitor of nuclear factor kappa B kinase subunit beta; plus strand). Cytogenetic location: 8p11.21.
Variant type: single nucleotide variant.
Coding change: c.1930G>A on transcript NM_001556.3 (MANE Select); coding-DNA position 1930, G replaced by A.
Protein change: p.Val644Ile; replaces valine 644 with isoleucine.
Molecular consequence: missense variant. On other transcripts: non-coding transcript variant (3).
Genome position (GRCh38, 1-based): chr8:42,322,438, G>A. VCF-style: chr8-42322438-G-A. GRCh37 (hg19) VCF-style: chr8-42179956-G-A.
Other names: c.1738G>A, p.Val580Ile (NM_001190720.3); c.1753G>A, p.Val585Ile (NM_001242778.2); short protein forms V580I, V585I, V644I.
Identifiers: ClinVar variation 2963080 (VCV002963080.3), dbSNP rs764317881, ClinGen allele CA4732152.